The following is an entry in ClinVar:

ClinVar aggregate classification (germline): Likely benign. Review status: criteria provided, multiple submitters, no conflicts (2 of 4 stars). 4 submissions from 4 submitters: Likely benign (4). Last evaluated 2025-12-02.

Conditions:
SBF2-related disorder. Also called: SBF2-related condition.
Charcot-Marie-Tooth disease type 4. Also called: Charcot-Marie-Tooth, Type 4; Charcot-Marie-Tooth disease, type IV. Identifiers: Orphanet 64749, MedGen C4082197, MONDO:0018995.

Allele frequency attached by ClinVar (database versions not stated): ExAC 0.00001; gnomAD 0.00002; gnomAD exomes 0.00004; TOPMed 0.00005.
gnomAD v4.1: 54 of 1,611,856 alleles (0.0034%); highest among the groups gnomAD compares: Admixed American, 0.025%; no homozygotes.

Submissions (4):

Labcorp Genetics (formerly Invitae), Labcorp
Classification: Likely benign for Charcot-Marie-Tooth disease type 4. Last evaluated: 2025-12-02. Review status: criteria provided, single submitter. Criteria: Invitae Variant Classification Sherloc (09022015). Collection method: clinical testing. Allele origin: germline.

Women's Health and Genetics/Laboratory Corporation of America, LabCorp
Classification: Likely benign. Last evaluated: 2025-11-12. Review status: criteria provided, single submitter. Criteria: LabCorp Variant Classification Summary - May 2015. Collection method: clinical testing. Allele origin: germline.

PreventionGenetics, part of Exact Sciences
Classification: Likely benign for SBF2-related condition. Last evaluated: 2025-10-08. Review status: criteria provided, single submitter. Criteria: ACMG Guidelines, 2015. Collection method: clinical testing. Allele origin: germline.
Comment: This variant is classified as likely benign based on ACMG/AMP sequence variant interpretation guidelines (Richards et al. 2015 PMID: 25741868, with internal and published modifications).

Blueprint Genetics
Classification: Likely benign. Last evaluated: 2024-08-29. Review status: criteria provided, single submitter. Criteria: ACMG Guidelines, 2015. Collection method: clinical testing. Allele origin: germline.

NM_030962.4(SBF2):c.2806+10G>A

Genes: SBF2 (SET binding factor 2; minus strand), LOC101928008 (uncharacterized LOC101928008; plus strand). Cytogenetic location: 11p15.4.
Variant type: single nucleotide variant.
Coding change: c.2806+10G>A on transcript NM_030962.4 (MANE Select); 10 bases into the intron after coding-DNA position 2806, G replaced by A.
Molecular consequence: intron variant.
Genome position (GRCh38, 1-based): chr11:9,850,013, C>T on the plus strand (G>A on the coding strand, the complement: SBF2 is on the minus strand). VCF-style: chr11-9850013-C-T. GRCh37 (hg19) VCF-style: chr11-9871560-C-T.
Other names: c.2806+10G>A (NM_030962.3, NM_001386339.1); c.2677+10G>A (NM_001386342.1).
Identifiers: ClinVar variation 1133699 (VCV001133699.12), dbSNP rs761936469, ClinGen allele CA5881455.